The following is an entry in ClinVar:

ClinVar aggregate classification (germline): Pathogenic. Review status: criteria provided, multiple submitters, no conflicts (2 of 4 stars). 3 submissions from 3 submitters: Pathogenic (2). 1 of the submissions does not count toward it. Last evaluated 2025-01-05.

Conditions:
Paragangliomas with sensorineural hearing loss. Identifiers: MedGen C1868633.
Pheochromocytoma. Also called: MAX-Related Hereditary Paraganglioma-Pheochromocytoma Syndrome. Identifiers: Orphanet 29072, MedGen C0031511, MONDO:0008233, OMIM 171300, HP:0002666.
Cowden syndrome 3 (CWS3). Identifiers: Orphanet 201, MedGen CN166604, MONDO:0014045.
Carney-Stratakis syndrome. Also called: PARAGANGLIOMA AND GASTROINTESTINAL STROMAL TUMOR. Identifiers: Orphanet 97286, MedGen C1847319, MONDO:0011740, OMIM 606864.
Hereditary cancer-predisposing syndrome. Also called: Neoplastic Syndromes, Hereditary; Hereditary neoplastic syndrome; Tumor predisposition; Hereditary Cancer Syndrome. Identifiers: Orphanet 140162, MedGen C0027672, MeSH D009386, MONDO:0015356.
Hereditary pheochromocytoma and paraganglioma. Also called: Hereditary Paraganglioma-Pheochromocytoma Syndromes; Hereditary paragangliomas and pheochromocytomas; Hereditary pheochromocytoma-paraganglioma. Identifiers: Orphanet 29072, MedGen C4274332, MONDO:0017366.

Submissions (3):

Labcorp Genetics (formerly Invitae), Labcorp
Classification: Pathogenic for Carney-Stratakis syndrome; Paragangliomas with sensorineural hearing loss; Pheochromocytoma; Cowden syndrome 3. Last evaluated: 2025-01-05. Review status: criteria provided, single submitter. Criteria: Invitae Variant Classification Sherloc (09022015). Collection method: clinical testing. Allele origin: germline.
Comment: This sequence change affects a donor splice site in intron 3 of the SDHD gene. While this variant is not anticipated to result in nonsense mediated decay, it likely alters RNA splicing and results in a disrupted protein product. This variant is not present in population databases (gnomAD no frequency). Disruption of this splice site has been observed in individuals with paraganglioma (PMID: 16317055, 18551016, 19351833, 19454582). ClinVar contains an entry for this variant (Variation ID: 438436). Variants that disrupt the consensus splice site are a relatively common cause of aberrant splicing (PMID: 17576681, 9536098). Algorithms developed to predict the effect of sequence changes on RNA splicing suggest that this variant may disrupt the consensus splice site. This variant disrupts a region of the SDHD protein in which other variant(s) (p.Gly138Arg) have been determined to be pathogenic (PMID: 29875428, 31492822; internal data). This suggests that this is a clinically significant region of the protein, and that variants that disrupt it are likely to be disease-causing. For these reasons, this variant has been classified as Pathogenic.

Ambry Genetics
Classification: Pathogenic for Hereditary cancer-predisposing syndrome. Last evaluated: 2023-07-11. Review status: criteria provided, single submitter. Criteria: Ambry Variant Classification Scheme 2023. Collection method: clinical testing. Allele origin: germline.
Comment: The c.314+1G>A intronic pathogenic mutation results from a G to A substitution one nucleotide after coding exon 3 of the SDHD gene. This alteration has been previously identified in a kindred with head and neck paragangliomas (Benn DE et al. J. Clin. Endocrinol. Metab., 2006 Mar;91:827-36). This variant is considered to be rare based on population cohorts in the Genome Aggregation Database (gnomAD). This nucleotide position is highly conserved in available vertebrate species. In silico splice site analysis predicts that this alteration will weaken the native splice donor site. RNA studies have demonstrated that this alteration results in abnormal splicing in the set of samples tested (Ambry internal data). Based on the supporting evidence, this alteration is interpreted as a disease-causing mutation.

Section on Medical Neuroendocrinolgy, National Institutes of Health
Classification: Pathogenic for Hereditary pheochromocytoma and paraganglioma. Review status: no assertion criteria provided. Collection method: research. Allele origin: germline. Affected: yes. Not counted in ClinVar's aggregate classification.

Literature cited by the submitters: PubMed 16317055 (cited by Labcorp Genetics (formerly Invitae), Labcorp and Ambry Genetics); PubMed 18551016 (cited by Labcorp Genetics (formerly Invitae), Labcorp); PubMed 19351833 (cited by Labcorp Genetics (formerly Invitae), Labcorp); PubMed 19454582 (cited by Labcorp Genetics (formerly Invitae), Labcorp); PubMed 17576681 (cited by Labcorp Genetics (formerly Invitae), Labcorp); PubMed 9536098 (cited by Labcorp Genetics (formerly Invitae), Labcorp); PubMed 29875428 (cited by Labcorp Genetics (formerly Invitae), Labcorp); PubMed 31492822 (cited by Labcorp Genetics (formerly Invitae), Labcorp).

NM_003002.4(SDHD):c.314+1G>A

Gene: SDHD (succinate dehydrogenase complex subunit D; plus strand). Cytogenetic location: 11q23.1.
Variant type: single nucleotide variant.
Coding change: c.314+1G>A on transcript NM_003002.4 (MANE Select); the canonical splice donor site of the intron after coding-DNA position 314, G replaced by A.
Molecular consequence: splice donor variant. On other transcripts: intron variant (1).
Genome position (GRCh38, 1-based): chr11:112,089,012, G>A. VCF-style: chr11-112089012-G-A. GRCh37 (hg19) VCF-style: chr11-111959736-G-A.
Other names: c.314+1G>A (NM_001276506.2); c.169+1039G>A (NM_001276503.2); c.197+1G>A (NM_001276504.2).
Identifiers: ClinVar variation 438436 (VCV000438436.11), dbSNP rs1555187083, ClinGen allele CA382617441.